The following is an entry in ClinVar:

ClinVar aggregate classification (germline): Uncertain significance. Review status: criteria provided, multiple submitters, no conflicts (2 of 4 stars). 2 submissions from 2 submitters: Uncertain significance (2). Last evaluated 2024-07-06.

Conditions:
Intellectual developmental disorder, X-linked 19. Also called: Intellectual disability, X-linked 19. Identifiers: Orphanet 777, MedGen C0796225, MONDO:0010447, OMIM 300844.
Coffin-Lowry syndrome (CLS). Also called: COFFIN-LOWRY SYNDROME, MILD; Mental retardation with osteocartilaginous abnormalities. Identifiers: Orphanet 192, MedGen C0265252, MONDO:0010561, OMIM 303600.

Submissions (2):

Labcorp Genetics (formerly Invitae), Labcorp
Classification: Uncertain significance for Coffin-Lowry syndrome; Intellectual developmental disorder, X-linked 19. Last evaluated: 2024-07-06. Review status: criteria provided, single submitter. Criteria: Invitae Variant Classification Sherloc (09022015). Collection method: clinical testing. Allele origin: germline.
Comment: This sequence change replaces threonine, which is neutral and polar, with isoleucine, which is neutral and non-polar, at codon 53 of the RPS6KA3 protein (p.Thr53Ile). This variant is not present in population databases (gnomAD no frequency). This variant has not been reported in the literature in individuals affected with RPS6KA3-related conditions. ClinVar contains an entry for this variant (Variation ID: 2430533). Advanced modeling of protein sequence and biophysical properties (such as structural, functional, and spatial information, amino acid conservation, physicochemical variation, residue mobility, and thermodynamic stability) performed at Invitae indicates that this missense variant is not expected to disrupt RPS6KA3 protein function with a negative predictive value of 95%. In summary, the available evidence is currently insufficient to determine the role of this variant in disease. Therefore, it has been classified as a Variant of Uncertain Significance.

GeneDx
Classification: Uncertain significance. Last evaluated: 2022-08-16. Review status: criteria provided, single submitter. Criteria: GeneDx Variant Classification Process June 2021. Collection method: clinical testing. Allele origin: germline. Affected: yes.
Comment: Not observed at significant frequency in large population cohorts (gnomAD); In silico analysis supports that this missense variant has a deleterious effect on protein structure/function; Has not been previously published as pathogenic or benign to our knowledge

NM_004586.3(RPS6KA3):c.158C>T (p.Thr53Ile)

Gene: RPS6KA3 (ribosomal protein S6 kinase A3; minus strand). Cytogenetic location: Xp22.12.
Variant type: single nucleotide variant.
Coding change: c.158C>T on transcript NM_004586.3 (MANE Select); coding-DNA position 158, C replaced by T.
Protein change: p.Thr53Ile; replaces threonine 53 with isoleucine.
Molecular consequence: missense variant.
Genome position (GRCh38, 1-based): chrX:20,209,373, G>A on the plus strand (C>T on the coding strand, the complement: RPS6KA3 is on the minus strand). VCF-style: chrX-20209373-G-A. GRCh37 (hg19) VCF-style: chrX-20227491-G-A.
Other names: short protein forms T53I.
Identifiers: ClinVar variation 2430533 (VCV002430533.3), dbSNP rs2519815499, ClinGen allele CA412513204.